The following is an entry in ClinVar:

ClinVar aggregate classification (germline): Uncertain significance (1 of 4 stars; one submission).

Conditions:
Cardiovascular phenotype. Identifiers: MedGen CN230736.

Allele frequency attached by ClinVar (database versions not stated): gnomAD exomes below 0.00001.
gnomAD v4.1: 1 of 1,614,080 alleles (0.000062%); highest among the groups gnomAD compares: Non-Finnish European, 0.000085%; no homozygotes.

Submission:

Ambry Genetics
Classification: Uncertain significance for Cardiovascular phenotype. Last evaluated: 2020-11-23. Review status: criteria provided, single submitter. Criteria: Ambry Variant Classification Scheme 2023. Collection method: clinical testing. Allele origin: germline.
Comment: The p.G650V variant (also known as c.1949G>T), located in coding exon 16 of the ACTN2 gene, results from a G to T substitution at nucleotide position 1949. The glycine at codon 650 is replaced by valine, an amino acid with dissimilar properties. This amino acid position is highly conserved in available vertebrate species. In addition, this alteration is predicted to be deleterious by in silico analysis. Since supporting evidence is limited at this time, the clinical significance of this alteration remains unclear.

NM_001103.4(ACTN2):c.1949G>T (p.Gly650Val)

Gene: ACTN2 (actinin alpha 2; plus strand). Cytogenetic location: 1q43.
Variant type: single nucleotide variant.
Coding change: c.1949G>T on transcript NM_001103.4 (MANE Select); coding-DNA position 1949, G replaced by T.
Protein change: p.Gly650Val; replaces glycine 650 with valine.
Molecular consequence: missense variant.
Genome position (GRCh38, 1-based): chr1:236,754,056, G>T. VCF-style: chr1-236754056-G-T. GRCh37 (hg19) VCF-style: chr1-236917356-G-T.
Other names: c.1949G>T, p.Gly650Val (NM_001278343.2); c.1325G>T, p.Gly442Val (NM_001278344.2); c.1199G>T, p.Gly400Val (NM_001412150.1); short protein forms G400V, G442V, G650V.
Identifiers: ClinVar variation 1783175 (VCV001783175.2), dbSNP rs2527644420, ClinGen allele CA345387030.